The following is an entry in ClinVar:

ClinVar aggregate classification (germline): Uncertain significance (0 of 4 stars; one submission).

Conditions:
UNC79-related disorder. Also called: UNC79-related condition.

Submission:

PreventionGenetics, part of Exact Sciences
Classification: Uncertain significance for UNC79-related condition. Last evaluated: 2024-09-25. Review status: no assertion criteria provided. Collection method: clinical testing. Allele origin: germline.
Comment: The UNC79 c.2066T>G variant is predicted to result in the amino acid substitution p.Leu689Arg. To our knowledge, this variant has not been reported in the literature or in a large population database, indicating this variant is rare. At this time, the clinical significance of this variant is uncertain due to the absence of conclusive functional and genetic evidence.

NM_001395159.1(UNC79):c.2066T>G (p.Leu689Arg)

Gene: UNC79 (unc-79 homolog, NALCN channel complex subunit; plus strand). Cytogenetic location: 14q32.12.
Variant type: single nucleotide variant.
Coding change: c.2066T>G on transcript NM_001395159.1 (MANE Select); coding-DNA position 2066, T replaced by G.
Protein change: p.Leu689Arg; replaces leucine 689 with arginine.
Molecular consequence: missense variant.
Genome position (GRCh38, 1-based): chr14:93,572,812, T>G. VCF-style: chr14-93572812-T-G. GRCh37 (hg19) VCF-style: chr14-94039158-T-G.
Other names: c.2066T>G, p.Leu689Arg (NM_001346218.2); c.1535T>G, p.Leu512Arg (NM_020818.5); short protein forms L512R, L689R.
Identifiers: ClinVar variation 3347268 (VCV003347268.1).
Genomic context (GRCh38, chr14:93,572,812, plus strand): 5'-TTATTAGTTGTCGGTTTACAGGATACCCCTCCTCTGTGCAGGAGCAAGCTTTACTGTGGC[T>G]TCATGTAAGTGAATAATACTTTCGATCATTTTAGGAAATAGTTCTTAGCTTATAAGCTTT-3'
Protein context (NP_001382088.1, residues 679-699): SSVQEQALLW[Leu689Arg]HVLSELDIMV